The following is an entry in ClinVar:

NM_001197104.2(KMT2A):c.2579A>G (p.Lys860Arg)

Gene: KMT2A (lysine methyltransferase 2A; plus strand). Cytogenetic location: 11q23.3.
Variant type: single nucleotide variant.
Coding change: c.2579A>G on transcript NM_001197104.2 (MANE Select); coding-DNA position 2579, A replaced by G.
Protein change: p.Lys860Arg; replaces lysine 860 with arginine.
Molecular consequence: missense variant.
Genome position (GRCh38, 1-based): chr11:118,473,738, A>G. VCF-style: chr11-118473738-A-G. GRCh37 (hg19) VCF-style: chr11-118344453-A-G.
Other names: c.2579A>G, p.Lys860Arg (NM_005933.4); c.2678A>G, p.Lys893Arg (NM_001412597.1); short protein forms K860R, K893R.
Identifiers: ClinVar variation 4761439 (VCV004761439.1).

ClinVar aggregate classification (germline): Uncertain significance (1 of 4 stars; one submission).

gnomAD v4.1: 5 of 1,614,092 alleles (0.00031%); highest among the groups gnomAD compares: South Asian, 0.0022%; no homozygotes.

Submission:

Labcorp Genetics (formerly Invitae), Labcorp
Classification: Uncertain significance. Last evaluated: 2025-09-28. Review status: criteria provided, single submitter. Criteria: Invitae Variant Classification Sherloc (09022015). Collection method: clinical testing. Allele origin: germline.
Comment: This sequence change replaces lysine, which is basic and polar, with arginine, which is basic and polar, at codon 860 of the KMT2A protein (p.Lys860Arg). This variant is present in population databases (rs561065915, gnomAD 0.003%). This variant has not been reported in the literature in individuals affected with KMT2A-related conditions. Invitae Evidence Modeling of protein sequence and biophysical properties (such as structural, functional, and spatial information, amino acid conservation, physicochemical variation, residue mobility, and thermodynamic stability) indicates that this missense variant is not expected to disrupt KMT2A protein function with a negative predictive value of 95%. In summary, the available evidence is currently insufficient to determine the role of this variant in disease. Therefore, it has been classified as a Variant of Uncertain Significance.